The following is an entry in ClinVar:

NM_000059.4(BRCA2):c.3340C>T (p.Leu1114Phe)

Gene: BRCA2 (BRCA2 DNA repair associated; plus strand). Cytogenetic location: 13q13.1.
Variant type: single nucleotide variant.
Coding change: c.3340C>T on transcript NM_000059.4 (MANE Select); coding-DNA position 3340, C replaced by T.
Protein change: p.Leu1114Phe; replaces leucine 1114 with phenylalanine.
Molecular consequence: missense variant.
Genome position (GRCh38, 1-based): chr13:32,337,695, C>T. VCF-style: chr13-32337695-C-T. GRCh37 (hg19) VCF-style: chr13-32911832-C-T.
Other names: short protein forms L1114F.
Identifiers: ClinVar variation 489755 (VCV000489755.23), dbSNP rs1468014859, ClinGen allele CA387776312.

ClinVar aggregate classification (germline): Conflicting classifications of pathogenicity. Review status: criteria provided, conflicting classifications (1 of 4 stars). 7 submissions from 7 submitters: Uncertain significance (5); Likely benign (2). Last evaluated 2025-01-17.

Conditions:
Hereditary cancer-predisposing syndrome. Also called: Tumor predisposition; Neoplastic Syndromes, Hereditary; Hereditary Cancer Syndrome; Hereditary neoplastic syndrome. Identifiers: Orphanet 140162, MedGen C0027672, MeSH D009386, MONDO:0015356.
Inherited breast cancer and ovarian cancer.
Hereditary breast ovarian cancer syndrome. Also called: Hereditary breast and ovarian cancer; Hereditary breast and ovarian cancer syndrome (HBOC); BRCA1- and BRCA2-Associated Hereditary Breast and Ovarian Cancer; Breast and ovarian cancer; Hereditary breast and ovarian cancer syndrome; Hereditary breast and/or ovarian cancer syndrome. Identifiers: Orphanet 145, MedGen C0677776, MeSH D061325, MONDO:0003582. Disease mechanism: loss of function.
Breast-ovarian cancer, familial, susceptibility to, 2 (BROVCA2). Also called: BRCA2 Hereditary Breast and Ovarian Cancer. Identifiers: Orphanet 145, MedGen C2675520, MONDO:0012933, OMIM 612555. Disease mechanism: loss of function.

Allele frequency attached by ClinVar (database versions not stated): gnomAD 0.00001; gnomAD exomes 0.00001; TOPMed 0.00001.
gnomAD v4.1: 19 of 1,604,622 alleles (0.0012%); highest among the groups gnomAD compares: Non-Finnish European, 0.0016%; no homozygotes.

Submissions (7):

Ambry Genetics
Classification: Uncertain significance for Hereditary cancer-predisposing syndrome. Last evaluated: 2025-01-17. Review status: criteria provided, single submitter. Criteria: Ambry Variant Classification Scheme 2023. Collection method: clinical testing. Allele origin: germline.
Comment: The p.L1114F variant (also known as c.3340C>T), located in coding exon 10 of the BRCA2 gene, results from a C to T substitution at nucleotide position 3340. The leucine at codon 1114 is replaced by phenylalanine, an amino acid with highly similar properties. This amino acid position is highly conserved in available vertebrate species. In addition, the in silico prediction for this alteration is inconclusive. Based on the available evidence, the clinical significance of this variant remains unclear.

Genomics and Molecular Medicine Service, East Genomic Laboratory Hub, NHS Genomic Medicine Service
Classification: Likely benign for Inherited breast cancer and ovarian cancer. Last evaluated: 2024-08-08. Review status: criteria provided, single submitter. Criteria: ACGS Best Practice Guidelines for Variant Classification in Rare Disease 2020. Collection method: clinical testing. Allele origin: germline. Affected: yes.
Comment: BP1,BP4

Labcorp Genetics (formerly Invitae), Labcorp
Classification: Uncertain significance for Hereditary breast ovarian cancer syndrome. Last evaluated: 2024-07-24. Review status: criteria provided, single submitter. Criteria: Invitae Variant Classification Sherloc (09022015). Collection method: clinical testing. Allele origin: germline.
Comment: This sequence change replaces leucine, which is neutral and non-polar, with phenylalanine, which is neutral and non-polar, at codon 1114 of the BRCA2 protein (p.Leu1114Phe). This variant is not present in population databases (gnomAD no frequency). This variant has not been reported in the literature in individuals affected with BRCA2-related conditions. ClinVar contains an entry for this variant (Variation ID: 489755). Advanced modeling of protein sequence and biophysical properties (such as structural, functional, and spatial information, amino acid conservation, physicochemical variation, residue mobility, and thermodynamic stability) performed at Invitae indicates that this missense variant is not expected to disrupt BRCA2 protein function with a negative predictive value of 95%. In summary, the available evidence is currently insufficient to determine the role of this variant in disease. Therefore, it has been classified as a Variant of Uncertain Significance.

Quest Diagnostics Nichols Institute San Juan Capistrano
Classification: Uncertain significance. Last evaluated: 2024-06-14. Review status: criteria provided, single submitter. Criteria: Quest Diagnostics criteria. Collection method: clinical testing. Allele origin: unknown.
Comment: The BRCA2 c.3340C>T (p.Leu1114Phe) variant has been reported to be located in a region of the BRCA2 gene that is tolerant to missense sequence changes (PMID: 31911673 (2020)). To the best of our knowledge, this variant has not been reported in individuals with BRCA2-related disorders. The frequency of this variant in the general population, 0.0000066 (1/152176 chromosomes (Genome Aggregation Database)), is uninformative in the assessment of its pathogenicity. Analysis of this variant using bioinformatics tools for the prediction of the effect of amino acid changes on protein structure and function yielded predictions that this variant is damaging. Based on the available information, we are unable to determine the clinical significance of this variant.

All of Us Research Program, National Institutes of Health
Classification: Uncertain significance for Breast-ovarian cancer, familial, susceptibility to, 2. Last evaluated: 2023-11-30. Review status: criteria provided, single submitter. Criteria: ACMG Guidelines, 2015. Collection method: clinical testing. Allele origin: germline. Inheritance: Autosomal dominant inheritance. Observed: 1 variant allele, 1 heterozygote.
Comment: This study involves interpretation of variants in research participants for the purpose of population health screening. Participant phenotype was not available at the time of variant classification. Additional details can be found in publication PMID: 35346344, PMCID: PMC8962531

University of Washington Department of Laboratory Medicine, University of Washington
Classification: Likely benign for Hereditary cancer-predisposing syndrome. Last evaluated: 2023-03-23. Review status: criteria provided, single submitter. Criteria: Dines et al. (Genet Med. 2020). Collection method: curation. Allele origin: germline.
Comment: Missense variant in a coldspot region where missense variants are very unlikely to be pathogenic (PMID:31911673).

BRCA2 exon 11 coldspot. Reclassification based on statistical prior probability.

Color Diagnostics, LLC DBA Color Health
Classification: Uncertain significance for Hereditary cancer-predisposing syndrome. Last evaluated: 2019-02-15. Review status: criteria provided, single submitter. Criteria: ACMG Guidelines, 2015. Collection method: clinical testing. Allele origin: germline.

Literature cited by the submitters: PubMed 37349538 (cited by Quest Diagnostics Nichols Institute San Juan Capistrano); PubMed 31911673 (cited by Quest Diagnostics Nichols Institute San Juan Capistrano).